The following is an entry in ClinVar:

ClinVar aggregate classification (germline): Likely benign (1 of 4 stars; one submission).

Allele frequency attached by ClinVar (database versions not stated): TOPMed 0.00002; ExAC 0.00003.
gnomAD v4.1: 15 of 1,448,590 alleles (0.001%); highest among the groups gnomAD compares: Admixed American, 0.0043%; no homozygotes.

Submission:

CeGaT Center for Human Genetics Tuebingen
Classification: Likely benign. Last evaluated: 2023-11-01. Review status: criteria provided, single submitter. Criteria: CeGaT Center For Human Genetics Tuebingen Variant Classification Criteria Version 2. Collection method: clinical testing. Allele origin: germline. Affected: yes. Observed: 1 variant allele.
Comment: DPY19L4: BP4

NM_181787.3(DPY19L4):c.871-7A>C

Gene: DPY19L4 (dpy-19 like 4; plus strand). Cytogenetic location: 8q22.1.
Variant type: single nucleotide variant.
Coding change: c.871-7A>C on transcript NM_181787.3 (MANE Select); 7 bases into the intron before coding-DNA position 871, A replaced by C.
Molecular consequence: intron variant.
Genome position (GRCh38, 1-based): chr8:94,765,176, A>C. VCF-style: chr8-94765176-A-C. GRCh37 (hg19) VCF-style: chr8-95777404-A-C.
Identifiers: ClinVar variation 2673155 (VCV002673155.23), dbSNP rs200567931, ClinGen allele CA4812758.